The following is an entry in ClinVar:

ClinVar aggregate classification (germline): Conflicting classifications of pathogenicity. Review status: criteria provided, conflicting classifications (1 of 4 stars). 3 submissions from 3 submitters: Uncertain significance (2); Likely benign (1). Last evaluated 2026-03-26.

Conditions:
Hereditary breast ovarian cancer syndrome. Also called: Hereditary breast and/or ovarian cancer syndrome; BRCA1- and BRCA2-Associated Hereditary Breast and Ovarian Cancer; Hereditary breast and ovarian cancer syndrome; Hereditary breast and ovarian cancer; Hereditary breast and ovarian cancer syndrome (HBOC); Breast and ovarian cancer. Identifiers: Orphanet 145, MedGen C0677776, MeSH D061325, MONDO:0003582. Disease mechanism: loss of function.
Hereditary cancer-predisposing syndrome. Also called: Tumor predisposition; Hereditary Cancer Syndrome; Hereditary neoplastic syndrome; Neoplastic Syndromes, Hereditary. Identifiers: Orphanet 140162, MedGen C0027672, MeSH D009386, MONDO:0015356.

Submissions (4):

Women's Health and Genetics/Laboratory Corporation of America, LabCorp
Classification: Uncertain significance. Last evaluated: 2026-03-26. Review status: criteria provided, single submitter. Criteria: LabCorp Variant Classification Summary - May 2015. Collection method: clinical testing. Allele origin: germline.
Comment: Variant summary: BRCA1 c.5034T>A (p.Asn1678Lys) results in a non-conservative amino acid change in the encoded protein sequence. Algorithms developed to predict the effect of missense changes on protein structure and function are either unavailable or do not agree on the potential impact of this missense change. The variant was absent in 251382 control chromosomes (gnomAD). The available data on variant occurrences in the general population are insufficient to allow any conclusion about variant significance. To our knowledge, no occurrence of c.5034T>A in individuals affected with BRCA1-related conditions has been reported. Findlay_2018 summary blurb: At least one functional study reports experimental evidence evaluating an impact on protein function and showed no damaging effect of this variant on homology directed repair (HDR) activity (e.g. Findlay_2018). HDR assays qualify as a recognized gold standard on the basis of updated guidance provided by the ClinGen Sequence Variant Interpretation (SVI) working group. The following publication has been ascertained in the context of this evaluation (PMID: 30209399). ClinVar contains an entry for this variant (Variation ID: 865558). Based on the evidence outlined above, the variant was classified as uncertain significance.

Ambry Genetics
Classification: Likely benign for Hereditary cancer-predisposing syndrome. Last evaluated: 2025-01-02. Review status: criteria provided, single submitter. Criteria: Ambry Variant Classification Scheme 2023. Collection method: clinical testing. Allele origin: germline.

Labcorp Genetics (formerly Invitae), Labcorp
Classification: Uncertain significance for Hereditary breast ovarian cancer syndrome. Last evaluated: 2024-03-06. Review status: criteria provided, single submitter. Criteria: Invitae Variant Classification Sherloc (09022015). Collection method: clinical testing. Allele origin: germline.
Comment: This sequence change replaces asparagine, which is neutral and polar, with lysine, which is basic and polar, at codon 1678 of the BRCA1 protein (p.Asn1678Lys). This variant is not present in population databases (gnomAD no frequency). This variant has not been reported in the literature in individuals affected with BRCA1-related conditions. ClinVar contains an entry for this variant (Variation ID: 865558). Advanced modeling performed at Invitae incorporating data from internal and/or published experimental studies (PMID: 30209399) indicates that this missense variant is not expected to disrupt BRCA1 function with a negative predictive value of 95%. In summary, the available evidence is currently insufficient to determine the role of this variant in disease. Therefore, it has been classified as a Variant of Uncertain Significance.

Brotman Baty Institute, University of Washington
No classification provided (evidence only). Condition: Breast-ovarian cancer, familial 1. Review status: no classification provided. Collection method: in vitro. Allele origin: not applicable. Functional consequence: functionally_normal. Not counted in ClinVar's aggregate classification.
ClinVar note: "not provided" was previously submitted as the classification for the variant. However, the classification appeared to be based only on an observation of functional data so it was converted to no classification on 2025-07-30.

Literature cited by the submitters: PubMed 30209399 (cited by 3 submitters).

NM_007294.4(BRCA1):c.5034T>A (p.Asn1678Lys)

Gene: BRCA1 (BRCA1 DNA repair associated; minus strand). Cytogenetic location: 17q21.31.
Variant type: single nucleotide variant.
Coding change: c.5034T>A on transcript NM_007294.4 (MANE Select); coding-DNA position 5034, T replaced by A.
Protein change: p.Asn1678Lys; replaces asparagine 1678 with lysine.
Molecular consequence: missense variant. On other transcripts: non-coding transcript variant (1).
Genome position (GRCh38, 1-based): chr17:43,067,648, A>T on the plus strand (T>A on the coding strand, the complement: BRCA1 is on the minus strand). VCF-style: chr17-43067648-A-T. GRCh37 (hg19) VCF-style: chr17-41219665-A-T.
Other names: c.1722T>A, p.Asn574Lys (NM_001407981.1, NM_001407982.1, NM_001407983.1 and 13 more transcripts); c.1719T>A, p.Asn573Lys (NM_001408400.1, NM_001408401.1, NM_001408402.1 and 8 more transcripts); c.1716T>A, p.Asn572Lys (NM_001408406.1, NM_001408407.1, NM_001408408.1); c.1713T>A, p.Asn571Lys (NM_001408409.1); c.1605T>A, p.Asn535Lys (NM_001408421.1, NM_001408422.1, NM_001408423.1 and 1 more transcripts); c.1602T>A, p.Asn534Lys (NM_001408425.1, NM_001408426.1, NM_001408427.1 and 4 more transcripts); c.1599T>A, p.Asn533Lys (NM_001408440.1, NM_001408441.1, NM_001408442.1 and 10 more transcripts); c.1596T>A, p.Asn532Lys (NM_001408445.1, NM_001408446.1, NM_001408447.1 and 2 more transcripts); and 70 more; short protein forms N1631K, N1678K, N574K, N1699K, N1382K, N1524K, N1549K, N1551K.
Identifiers: ClinVar variation 865558 (VCV000865558.7), dbSNP rs898511378, ClinGen allele CA10591448.
Genomic context (GRCh38, chr17:43,067,648, plus strand): 5'-TGTAAAGGTTCTTGGTATACCTGTTTTCATAACAACATGAGTAGTCTCTTCAGTAATTAG[A>T]TTAGTTAAAGTGATGTGGTGTTTTCTGGCAAACTTGTACACGAGCATCTGAAATTAAATC-3'
Protein context (NP_009225.1, residues 1668-1688): FARKHHITLT[Asn1678Lys]LITEETTHVV